The following is an entry in ClinVar:

ClinVar aggregate classification (germline): Pathogenic (1 of 4 stars; one submission).

Conditions:
Developmental and epileptic encephalopathy, 2 (DEE2). Also called: INFANTILE SPASM SYNDROME, X-LINKED 2; CDKL5 deficiency disorder. Identifiers: Orphanet 1934, Orphanet 3451, Orphanet 505652, MedGen C4750718, MONDO:0010396, OMIM 300672.
Angelman syndrome-like. Identifiers: MedGen CN128785.

Submission:

Labcorp Genetics (formerly Invitae), Labcorp
Classification: Pathogenic for Developmental and epileptic encephalopathy, 2; Angelman syndrome-like. Last evaluated: 2022-07-12. Review status: criteria provided, single submitter. Criteria: Invitae Variant Classification Sherloc (09022015). Collection method: clinical testing. Allele origin: germline.
Comment: This variant is a gross deletion of the genomic region encompassing exon(s) 2-10 of the CDKL5 gene, which includes the initiator codon. This deletion extends beyond the assayed region for this gene and therefore may encompass additional genes. It is expected to result in an absent or disrupted protein product. Loss-of-function variants in CDKL5 are known to be pathogenic (PMID: 22872100). For these reasons, this variant has been classified as Pathogenic. This variant has not been reported in the literature in individuals affected with CDKL5-related conditions.

Literature cited by the submitters: PubMed 22872100.

NC_000023.10:g.(?_18525053)_(18613568_?)del

Gene: CDKL5 (cyclin dependent kinase like 5; plus strand). Cytogenetic location: Xp22.13.
Variant type: Deletion.
Identifiers: ClinVar variation 2424640 (VCV002424640.6).